The following is an entry in ClinVar:

NM_002890.3(RASA1):c.369G>C (p.Leu123Phe)

Gene: RASA1 (RAS p21 protein activator 1; plus strand). Cytogenetic location: 5q14.3.
Variant type: single nucleotide variant.
Coding change: c.369G>C on transcript NM_002890.3 (MANE Select); coding-DNA position 369, G replaced by C.
Protein change: p.Leu123Phe; replaces leucine 123 with phenylalanine.
Molecular consequence: missense variant.
Genome position (GRCh38, 1-based): chr5:87,268,820, G>C. VCF-style: chr5-87268820-G-C. GRCh37 (hg19) VCF-style: chr5-86564637-G-C.
Other names: short protein forms L123F.
Identifiers: ClinVar variation 4738852 (VCV004738852.1).

ClinVar aggregate classification (germline): Uncertain significance (1 of 4 stars; one submission).

Conditions:
Capillary malformation-arteriovenous malformation syndrome. Also called: Capillary malformation-arteriovenous malformation. Identifiers: Orphanet 137667, MedGen C1842180, MONDO:0012016.

gnomAD v4.1: 12 of 1,614,030 alleles (0.00074%); highest among the groups gnomAD compares: East Asian, 0.027%; no homozygotes.

Submission:

Labcorp Genetics (formerly Invitae), Labcorp
Classification: Uncertain significance for Capillary malformation-arteriovenous malformation syndrome. Last evaluated: 2025-09-03. Review status: criteria provided, single submitter. Criteria: Invitae Variant Classification Sherloc (09022015). Collection method: clinical testing. Allele origin: germline.
Comment: This sequence change replaces leucine, which is neutral and non-polar, with phenylalanine, which is neutral and non-polar, at codon 123 of the RASA1 protein (p.Leu123Phe). This variant is present in population databases (rs779313090, gnomAD 0.04%). This variant has not been reported in the literature in individuals affected with RASA1-related conditions. An algorithm developed to predict the effect of missense changes on protein structure and function (PolyPhen-2) suggests that this variant is likely to be disruptive. In summary, the available evidence is currently insufficient to determine the role of this variant in disease. Therefore, it has been classified as a Variant of Uncertain Significance.